The following is an entry in ClinVar:

ClinVar aggregate classification (germline): Likely benign (1 of 4 stars; one submission).

Allele frequency attached by ClinVar (database versions not stated): ExAC 0.00011; gnomAD 0.00020; gnomAD exomes 0.00024; ESP Exome Variant Server 0.00038.
gnomAD v4.1: 390 of 1,614,004 alleles (0.024%); highest among the groups gnomAD compares: Non-Finnish European, 0.03%; no homozygotes.

Submission:

CeGaT Center for Human Genetics Tuebingen
Classification: Likely benign. Last evaluated: 2022-12-01. Review status: criteria provided, single submitter. Criteria: CeGaT Center For Human Genetics Tuebingen Variant Classification Criteria Version 2. Collection method: clinical testing. Allele origin: germline. Affected: yes. Observed: 1 variant allele.
Comment: TEP1: BP4, BP7

NM_007110.5(TEP1):c.7779C>T (p.Cys2593=)

Gene: TEP1 (telomerase associated protein 1; minus strand). Cytogenetic location: 14q11.2.
Variant type: single nucleotide variant.
Coding change: c.7779C>T on transcript NM_007110.5 (MANE Select); coding-DNA position 7779, C replaced by T.
Protein change: p.Cys2593=; no amino-acid change (cysteine 2593 retained).
Molecular consequence: synonymous variant.
Genome position (GRCh38, 1-based): chr14:20,368,542, G>A on the plus strand (C>T on the coding strand, the complement: TEP1 is on the minus strand). VCF-style: chr14-20368542-G-A. GRCh37 (hg19) VCF-style: chr14-20836701-G-A.
Other names: c.7455C>T, p.Cys2485= (NM_001319035.2).
Identifiers: ClinVar variation 2644046 (VCV002644046.24), dbSNP rs200480632, ClinGen allele CA7078171.